The following is an entry in ClinVar:

NM_144670.6(A2ML1):c.2145del (p.Phe715fs)

Gene: A2ML1 (alpha-2-macroglobulin like 1; plus strand). Cytogenetic location: 12p13.31.
Variant type: Deletion.
Coding change: c.2145del on transcript NM_144670.6 (MANE Select); coding-DNA position 2145, one base deleted (T; older notation c.2145delT).
Protein change: p.Phe715fs; shifts the reading frame from phenylalanine 715.
Molecular consequence: frameshift variant.
Genome position (GRCh38, 1-based): chr12:8,850,185, T deleted; the last of 4 consecutive T bases (chr12:8,850,182-8,850,185); deleting any one gives the same sequence. VCF-style (leftmost placement, unchanged base first): chr12-8850181-CT-C. GRCh37 (hg19) VCF-style: chr12-9002777-CT-C.
Other names: c.2145delT (NM_144670.5, NM_144670.4); c.672del, p.Phe224fs (NM_001282424.3); short protein forms F224fs, F715fs.
Identifiers: ClinVar variation 643431 (VCV000643431.11), dbSNP rs759217676, ClinGen allele CA6435925.

ClinVar aggregate classification (germline): Conflicting classifications of pathogenicity. Review status: criteria provided, conflicting classifications (1 of 4 stars). 4 submissions from 4 submitters: Uncertain significance (2); Benign (1); Likely benign (1). Last evaluated 2026-03-12.

Conditions:
A2ML1-related disorder. Also called: A2ML1-related condition.

Submissions (4):

PreventionGenetics, part of Exact Sciences
Classification: Uncertain significance for A2ML1-related condition. Last evaluated: 2026-03-12. Review status: criteria provided, single submitter. Criteria: ACMG Guidelines, 2015. Collection method: clinical testing. Allele origin: germline.
Comment: The A2ML1 c.2145delT variant is predicted to result in a frameshift and premature protein termination (p.Phe715Leufs*52). To our knowledge, this variant has not been reported in the literature. This variant is reported in 0.048% of alleles in individuals of European (Non-Finnish) descent in gnomAD. At this time, the clinical significance of this variant is uncertain due to the absence of conclusive functional and genetic evidence.

Labcorp Genetics (formerly Invitae), Labcorp
Classification: Uncertain significance. Last evaluated: 2026-01-14. Review status: criteria provided, single submitter. Criteria: Invitae Variant Classification Sherloc (09022015). Collection method: clinical testing. Allele origin: germline.
Comment: This sequence change creates a premature translational stop signal (p.Phe715Leufs*52) in the A2ML1 gene. It is expected to result in an absent or disrupted protein product. However, the current clinical and genetic evidence is not sufficient to establish whether loss-of-function variants in A2ML1 cause disease. This variant is present in population databases (rs759217676, gnomAD 0.05%), and has an allele count higher than expected for a pathogenic variant. This variant has not been reported in the literature in individuals affected with A2ML1-related conditions. ClinVar contains an entry for this variant (Variation ID: 643431). Experimental studies and prediction algorithms are not available or were not evaluated, and the functional significance of this variant is currently unknown. In summary, the available evidence is currently insufficient to determine the role of this variant in disease. Therefore, it has been classified as a Variant of Uncertain Significance.

Women's Health and Genetics/Laboratory Corporation of America, LabCorp
Classification: Benign. Last evaluated: 2023-03-07. Review status: criteria provided, single submitter. Criteria: LabCorp Variant Classification Summary - May 2015. Collection method: clinical testing. Allele origin: germline.
Comment: Variant summary: A2ML1 c.2145delT (p.Phe715LeufsX52) results in a premature termination codon, predicted to cause a truncation of the encoded protein or absence of the protein due to nonsense mediated decay, which are not commonly known mechanisms for Noonan Syndrome and Related Conditions in the A2ML1 gene. Truncations in A2ML1 have been classified as benign by our laboratory. The variant allele was found at a frequency of 0.00028 in 247198 control chromosomes, predominantly at a frequency of 0.00053 within the Non-Finnish European subpopulation in the gnomAD database. The observed variant frequency within Non-Finnish European control individuals in the gnomAD database is approximately 132-fold of the estimated maximal expected allele frequency for a pathogenic variant in A2ML1 causing Noonan Syndrome phenotype (4e-06), strongly suggesting that the variant is a benign polymorphism found primarily in populations of Non-Finnish European origin. To our knowledge, no occurrence of c.2145delT in individuals affected with Noonan Syndrome and no experimental evidence demonstrating its impact on protein function have been reported. Two clinical diagnostic laboratories have submitted clinical-significance assessments for this variant to ClinVar after 2014 and classified the variant as likely benign and VUS. Based on the evidence outlined above, the variant was classified as benign.

GeneDx
Classification: Likely benign. Last evaluated: 2020-07-31. Review status: criteria provided, single submitter. Criteria: GeneDx Variant Classification Process June 2021. Collection method: clinical testing. Allele origin: germline. Affected: yes.